The following is an entry in ClinVar:

ClinVar aggregate classification (germline): Conflicting classifications of pathogenicity. Review status: criteria provided, conflicting classifications (1 of 4 stars). 4 submissions from 4 submitters: Likely pathogenic (1); Uncertain significance (2); Likely benign (1). Last evaluated 2025-01-06.

Conditions:
Autosomal dominant childhood-onset proximal spinal muscular atrophy without contractures. Also called: Spinal muscular atrophy, lower extremity-predominant 1, AD; SPINAL MUSCULAR ATROPHY, CHILDHOOD, PROXIMAL, AUTOSOMAL DOMINANT; KUGELBERG-WELANDER SYNDROME, AUTOSOMAL DOMINANT; SPINAL MUSCULAR ATROPHY, JUVENILE, PROXIMAL, AUTOSOMAL DOMINANT. Identifiers: Orphanet 209341, Orphanet 363447, MedGen C5780022, MONDO:0008026, OMIM 158600.
Charcot-Marie-Tooth disease axonal type 2O. Also called: CHARCOT-MARIE-TOOTH NEUROPATHY, AXONAL, TYPE 2O; CHARCOT-MARIE-TOOTH DISEASE, AXONAL, AUTOSOMAL DOMINANT, TYPE 2O; Charcot-Marie-Tooth Neuropathy Type 2O; Charcot-Marie-Tooth disease, axonal, type 20. Identifiers: Orphanet 284232, MedGen C3280220, MONDO:0013644, OMIM 614228.
Cortical dysplasia, complex, with other brain malformations 13. Also called: Intellectual disability, autosomal dominant 13. Identifiers: MedGen C3281202, MONDO:0013805, OMIM 614563.

Allele frequency attached by ClinVar (database versions not stated): gnomAD exomes below 0.00001.
gnomAD v4.1: 1 of 1,614,202 alleles (0.000062%); highest among the groups gnomAD compares: Non-Finnish European, 0.000085%; no homozygotes.

Submissions (4):

Labcorp Genetics (formerly Invitae), Labcorp
Classification: Uncertain significance for Charcot-Marie-Tooth disease axonal type 2O. Last evaluated: 2025-01-06. Review status: criteria provided, single submitter. Criteria: Invitae Variant Classification Sherloc (09022015). Collection method: clinical testing. Allele origin: germline.
Comment: This sequence change replaces glutamic acid, which is acidic and polar, with lysine, which is basic and polar, at codon 2640 of the DYNC1H1 protein (p.Glu2640Lys). This variant is not present in population databases (gnomAD no frequency). This missense change has been observed in individual(s) with a developmental disorder (PMID: 33057194, 35982159). ClinVar contains an entry for this variant (Variation ID: 210882). Invitae Evidence Modeling of protein sequence and biophysical properties (such as structural, functional, and spatial information, amino acid conservation, physicochemical variation, residue mobility, and thermodynamic stability) indicates that this missense variant is expected to disrupt DYNC1H1 protein function with a positive predictive value of 80%. In summary, the available evidence is currently insufficient to determine the role of this variant in disease. Therefore, it has been classified as a Variant of Uncertain Significance.

Mayo Clinic Laboratories, Mayo Clinic
Classification: Uncertain significance for Charcot-Marie-Tooth disease axonal type 2O; Cortical dysplasia, complex, with other brain malformations 13; Autosomal dominant childhood-onset proximal spinal muscular atrophy without contractures. Last evaluated: 2017-03-23. Review status: criteria provided, single submitter. Criteria: ACMG Guidelines, 2015. Collection method: clinical testing. Allele origin: maternal.

GeneDx
Classification: Likely pathogenic. Last evaluated: 2016-10-31. Review status: criteria provided, single submitter. Criteria: GeneDx Variant Classification (06012015). Collection method: clinical testing. Allele origin: germline. Affected: yes.
Comment: The E2640K variant in the DYNC1H1 gene has not been published as pathogenic, nor has it been reported as a benign polymorphism to our knowledge. The E2640K variant was not observed in approximately 6500 individuals of European and African American ancestry in the NHLBI Exome Sequencing Project, indicating it is not a common benign variant in these populations. The E2640K variant is a non-conservative amino acid substitution, which is likely to impact secondary protein structure as these residues differ in polarity, charge, size and/or other properties. This substitution occurs at a position that is conserved across species, and in silico analysis predicts this variant is probably damaging to the protein structure/function. The E2640K variant is a strong candidate for a disease-causing variant

Genetic Services Laboratory, University of Chicago
Classification: Likely benign. Last evaluated: 2016-10-28. Review status: criteria provided, single submitter. Criteria: ACMG Guidelines, 2015. Collection method: clinical testing. Allele origin: germline. Affected: no.

Literature cited by the submitters: PubMed 33057194 (cited by Labcorp Genetics (formerly Invitae), Labcorp); PubMed 35982159 (cited by Labcorp Genetics (formerly Invitae), Labcorp).

NM_001376.5(DYNC1H1):c.7918G>A (p.Glu2640Lys)

Gene: DYNC1H1 (dynein cytoplasmic 1 heavy chain 1; plus strand). Cytogenetic location: 14q32.31.
Variant type: single nucleotide variant.
Coding change: c.7918G>A on transcript NM_001376.5 (MANE Select); coding-DNA position 7918, G replaced by A.
Protein change: p.Glu2640Lys; replaces glutamic acid 2640 with lysine.
Molecular consequence: missense variant.
Genome position (GRCh38, 1-based): chr14:102,017,157, G>A. VCF-style: chr14-102017157-G-A. GRCh37 (hg19) VCF-style: chr14-102483494-G-A.
Other names: short protein forms E2640K.
Identifiers: ClinVar variation 210882 (VCV000210882.14), dbSNP rs797045535, ClinGen allele CA205221.
Genomic context (GRCh38, chr14:102,017,157, plus strand): 5'-CTCAACTTCTCCAGTGCTACTACTCCAGAGCTGCTTCTGAAGACTTTTGATCACTACTGC[G>A]AGTACAGGCGCACACCTAATGGGGTGGTTTTGGCTCCTGTTCAACTTGGAAAGTGGCTGG-3'
Protein context (NP_001367.2, residues 2630-2650): LLLKTFDHYC[Glu2640Lys]YRRTPNGVVL